The following is an entry in ClinVar:

ClinVar aggregate classification (germline): Uncertain significance (1 of 4 stars; one submission).

Allele frequency attached by ClinVar (database versions not stated): gnomAD exomes below 0.00001.
gnomAD v4.1: 1 of 1,614,124 alleles (0.000062%); highest among the groups gnomAD compares: African/African-American, 0.0013%; no homozygotes.

Submission:

GeneDx
Classification: Uncertain significance. Last evaluated: 2023-04-14. Review status: criteria provided, single submitter. Criteria: GeneDx Variant Classification Process June 2021. Collection method: clinical testing. Allele origin: germline. Affected: yes.
Comment: In silico analysis supports that this missense variant does not alter protein structure/function; Has not been previously published as pathogenic or benign to our knowledge

NM_001347721.2(DYRK1A):c.1570C>T (p.His524Tyr)

Gene: DYRK1A (dual specificity tyrosine phosphorylation regulated kinase 1A; plus strand). Cytogenetic location: 21q22.13.
Variant type: single nucleotide variant.
Coding change: c.1570C>T on transcript NM_001347721.2 (MANE Select); coding-DNA position 1570, C replaced by T.
Protein change: p.His524Tyr; replaces histidine 524 with tyrosine.
Molecular consequence: missense variant. On other transcripts: intron variant (1).
Genome position (GRCh38, 1-based): chr21:37,506,149, C>T. VCF-style: chr21-37506149-C-T. GRCh37 (hg19) VCF-style: chr21-38878452-C-T.
Other names: c.1570C>T, p.His524Tyr (NM_001347722.2, NM_130436.2); c.1483C>T, p.His495Tyr (NM_001347723.2); c.1597C>T, p.His533Tyr (NM_001396.5, NM_101395.2); c.1546+560C>T (NM_130438.2); short protein forms H495Y, H524Y, H533Y.
Identifiers: ClinVar variation 2500366 (VCV002500366.1), dbSNP rs1458251657, ClinGen allele CA409938885.
Genomic context (GRCh38, chr21:37,506,149, plus strand): 5'-GATATTTCAGGTGGCTCATCGGGGACAAGCAACAGTGGGAGAGCCCGGTCGGATCCGACG[C>T]ACCAGCATCGGCACAGTGGTGGGCACTTCACAGCTGCCGTGCAGGCCATGGACTGCGAGA-3'
Protein context (NP_001334650.1, residues 514-534): NSGRARSDPT[His524Tyr]QHRHSGGHFT